The following is an entry in ClinVar:

ClinVar aggregate classification (germline): Likely benign (0 of 4 stars; one submission).

Conditions:
TMEM63A-related disorder. Also called: TMEM63A-related condition.

Allele frequency attached by ClinVar (database versions not stated): ExAC 0.00021; 1000 Genomes Project 30x 0.00047; 1000 Genomes Project 0.00060; TOPMed 0.00105; ESP Exome Variant Server 0.00108; gnomAD 0.00113.
gnomAD v4.1: 308 of 1,614,190 alleles (0.019%); highest among the groups gnomAD compares: African/African-American, 0.36%; 1 homozygote.

Submission:

PreventionGenetics, part of Exact Sciences
Classification: Likely benign for TMEM63A-related condition. Last evaluated: 2022-05-17. Review status: no assertion criteria provided. Collection method: clinical testing. Allele origin: germline.
Comment: This variant is classified as likely benign based on ACMG/AMP sequence variant interpretation guidelines (Richards et al. 2015 PMID: 25741868, with internal and published modifications).

NM_014698.3(TMEM63A):c.1999G>A (p.Ala667Thr)

Gene: TMEM63A (transmembrane protein 63A; minus strand). Cytogenetic location: 1q42.12.
Variant type: single nucleotide variant.
Coding change: c.1999G>A on transcript NM_014698.3 (MANE Select); coding-DNA position 1999, G replaced by A.
Protein change: p.Ala667Thr; replaces alanine 667 with threonine.
Molecular consequence: missense variant.
Genome position (GRCh38, 1-based): chr1:225,849,984, C>T on the plus strand (G>A on the coding strand, the complement: TMEM63A is on the minus strand). VCF-style: chr1-225849984-C-T. GRCh37 (hg19) VCF-style: chr1-226037685-C-T.
Other names: short protein forms A667T.
Identifiers: ClinVar variation 3058199 (VCV003058199.2), dbSNP rs146840117, ClinGen allele CA1418943.